The following is an entry in ClinVar:

NM_003560.4(PLA2G6):c.1628G>C (p.Arg543Pro)

Gene: PLA2G6 (phospholipase A2 group VI; minus strand). Cytogenetic location: 22q13.1.
Variant type: single nucleotide variant.
Coding change: c.1628G>C on transcript NM_003560.4 (MANE Select); coding-DNA position 1628, G replaced by C.
Protein change: p.Arg543Pro; replaces arginine 543 with proline.
Molecular consequence: missense variant.
Genome position (GRCh38, 1-based): chr22:38,120,873, C>G on the plus strand (G>C on the coding strand, the complement: PLA2G6 is on the minus strand). VCF-style: chr22-38120873-C-G. GRCh37 (hg19) VCF-style: chr22-38516880-C-G.
Other names: c.1466G>C, p.Arg489Pro (NM_001004426.3, NM_001199562.3, NM_001349865.2 and 1 more transcripts); c.1628G>C, p.Arg543Pro (NM_001349864.2); c.1094G>C, p.Arg365Pro (NM_001349867.2); c.950G>C, p.Arg317Pro (NM_001349868.2); c.932G>C, p.Arg311Pro (NM_001349869.2); short protein forms R543P, R317P, R489P, R311P, R365P.
Identifiers: ClinVar variation 2119419 (VCV002119419.4), dbSNP rs763937995, ClinGen allele CA411527578.

ClinVar aggregate classification (germline): Uncertain significance (1 of 4 stars; one submission).

Conditions:
Infantile neuroaxonal dystrophy (NBIA2A). Also called: NEURODEGENERATION WITH BRAIN IRON ACCUMULATION 2A; SEITELBERGER DISEASE; Infantile neuroaxonal dystrophy 1. Identifiers: Orphanet 35069, MedGen C0270724, MONDO:0024457, OMIM 256600.

Submission:

Labcorp Genetics (formerly Invitae), Labcorp
Classification: Uncertain significance for Infantile neuroaxonal dystrophy. Last evaluated: 2022-04-06. Review status: criteria provided, single submitter. Criteria: Invitae Variant Classification Sherloc (09022015). Collection method: clinical testing. Allele origin: germline.
Comment: In summary, the available evidence is currently insufficient to determine the role of this variant in disease. Therefore, it has been classified as a Variant of Uncertain Significance. Advanced modeling of protein sequence and biophysical properties (such as structural, functional, and spatial information, amino acid conservation, physicochemical variation, residue mobility, and thermodynamic stability) performed at Invitae indicates that this missense variant is expected to disrupt PLA2G6 protein function. This variant has not been reported in the literature in individuals affected with PLA2G6-related conditions. This variant is not present in population databases (gnomAD no frequency). This sequence change replaces arginine, which is basic and polar, with proline, which is neutral and non-polar, at codon 543 of the PLA2G6 protein (p.Arg543Pro).